The following is an entry in ClinVar:

ClinVar aggregate classification (germline): Pathogenic (1 of 4 stars; one submission).

Conditions:
Severe combined immunodeficiency due to DCLRE1C deficiency (RS-SCID). Also called: SCID, AUTOSOMAL RECESSIVE, T CELL-NEGATIVE, B CELL-NEGATIVE, NK CELL-POSITIVE, WITH SENSITIVITY TO IONIZING RADIATION. Identifiers: Orphanet 275, MedGen C1865371, MONDO:0011225, OMIM 602450.

Submission:

Labcorp Genetics (formerly Invitae), Labcorp
Classification: Pathogenic for Athabaskan severe combined immunodeficiency. Last evaluated: 2024-06-09. Review status: criteria provided, single submitter. Criteria: Invitae Variant Classification Sherloc (09022015). Collection method: clinical testing. Allele origin: germline.
Comment: This sequence change creates a premature translational stop signal (p.Pro426Alafs*2) in the DCLRE1C gene. While this is not anticipated to result in nonsense mediated decay, it is expected to disrupt the last 267 amino acid(s) of the DCLRE1C protein. This variant is not present in population databases (gnomAD no frequency). This variant has not been reported in the literature in individuals affected with DCLRE1C-related conditions. This variant disrupts a region of the DCLRE1C protein in which other variant(s) (p.Cys436*) have been determined to be pathogenic (PMID: 20674517, 22527898, 29167666). This suggests that this is a clinically significant region of the protein, and that variants that disrupt it are likely to be disease-causing. For these reasons, this variant has been classified as Pathogenic.

Literature cited by the submitters: PubMed 20674517; PubMed 22527898; PubMed 29167666.

NM_001033855.3(DCLRE1C):c.1274dup (p.Pro426fs)

Gene: DCLRE1C (DNA cross-link repair 1C; minus strand). Cytogenetic location: 10p13.
Variant type: Duplication.
Coding change: c.1274dup on transcript NM_001033855.3 (MANE Select); coding-DNA position 1274, one base duplicated (A; older notation c.1274dupA).
Protein change: p.Pro426fs; shifts the reading frame from proline 426.
Molecular consequence: frameshift variant. On other transcripts: non-coding transcript variant (4).
Genome position (GRCh38, 1-based): chr10:14,909,213, T duplicated on the plus strand (A on the coding strand, the reverse complement: DCLRE1C is on the minus strand). VCF-style (leftmost placement, unchanged base first): chr10-14909212-C-CT. GRCh37 (hg19) VCF-style: chr10-14951211-C-CT.
Other names: c.914dup, p.Pro306fs (NM_001033857.3, NM_001033858.3, NM_001289077.2 and 2 more transcripts); c.929dup, p.Pro311fs (NM_001289076.2, NM_001289078.2, NM_001350966.2 and 1 more transcripts); c.1274dup, p.Pro426fs (NM_001350965.2); short protein forms P306fs, P311fs, P426fs.
Identifiers: ClinVar variation 3655555 (VCV003655555.2).
Genomic context (GRCh38, chr10:14,909,212, plus strand): 5'-ACGAGAGCTCTGCATACACTCTGCTCTGCAGCATCCTGGGGTTTGTCTCAGTTTTTCAGG[C>CT]TGCTTTTCTGATACTGCAGTCATTGAAAATACCTCAGGGTGAAAAGTTTCCGGGTATGGA-3'